The following is an entry in ClinVar:

ClinVar aggregate classification (germline): Pathogenic/Likely pathogenic. Review status: criteria provided, multiple submitters, no conflicts (2 of 4 stars). 3 submissions from 3 submitters: Pathogenic (2); Likely pathogenic (1). Last evaluated 2025-09-22.

Conditions:
Peroxisome biogenesis disorder 10A (Zellweger). Also called: Peroxisome biogenesis disorder 10A. Identifiers: Orphanet 912, MedGen C3553999, MONDO:0013948, OMIM 614882.

Submissions (3):

Labcorp Genetics (formerly Invitae), Labcorp
Classification: Pathogenic. Last evaluated: 2025-09-22. Review status: criteria provided, single submitter. Criteria: Invitae Variant Classification Sherloc (09022015). Collection method: clinical testing. Allele origin: germline.
Comment: This sequence change creates a premature translational stop signal (p.Ser98Argfs*43) in the PEX3 gene. It is expected to result in an absent or disrupted protein product. Loss-of-function variants in PEX3 are known to be pathogenic (PMID: 10942428, 21031596). This variant is present in population databases (rs748689554, gnomAD 0.01%). This variant has not been reported in the literature in individuals affected with PEX3-related conditions. ClinVar contains an entry for this variant (Variation ID: 973435). Algorithms developed to predict the effect of sequence changes on RNA splicing suggest that this variant may disrupt the consensus splice site. For these reasons, this variant has been classified as Pathogenic.

Mayo Clinic Laboratories, Mayo Clinic
Classification: Likely pathogenic. Last evaluated: 2025-05-15. Review status: criteria provided, single submitter. Criteria: ACMG Guidelines, 2015. Collection method: clinical testing. Allele origin: germline. Observed: 1 variant allele.
Comment: PM2_moderate, PVS1

Elsea Laboratory, Baylor College of Medicine
Classification: Pathogenic for Peroxisome biogenesis disorder 10A (Zellweger). Last evaluated: 2020-04-01. Review status: criteria provided, single submitter. Criteria: ACMG Guidelines, 2015. Collection method: clinical testing. Allele origin: paternal. Affected: no.

Literature cited by the submitters: PubMed 10942428 (cited by Labcorp Genetics (formerly Invitae), Labcorp); PubMed 21031596 (cited by Labcorp Genetics (formerly Invitae), Labcorp).

NM_003630.3(PEX3):c.292_302del (p.Ser98fs)

Gene: PEX3 (peroxisomal biogenesis factor 3; plus strand). Cytogenetic location: 6q24.2.
Variant type: Deletion.
Coding change: c.292_302del on transcript NM_003630.3 (MANE Select); coding-DNA positions 292 to 302, 11 bases deleted (TCAAACAAGCT).
Protein change: p.Ser98fs; shifts the reading frame from serine 98.
Molecular consequence: frameshift variant.
Genome position (GRCh38, 1-based): chr6:143,468,126-143,468,136, TCAAACAAGCT deleted; deleting any 11 consecutive bases within chr6:143,468,124-143,468,136 gives the same sequence; the c. name uses the placement nearest the transcript's 3' end. VCF-style (leftmost placement, unchanged base first): chr6-143468123-CCTTCAAACAAG-C. GRCh37 (hg19) VCF-style: chr6-143789260-CCTTCAAACAAG-C.
Other names: p.Ser98Argfs*43; short protein forms S98fs.
Identifiers: ClinVar variation 973435 (VCV000973435.9), dbSNP rs748689554, ClinGen allele CA4029532.